The following is an entry in ClinVar:

ClinVar aggregate classification (germline): Uncertain significance (1 of 4 stars; one submission).

Conditions:
Charcot-Marie-Tooth disease type 2R. Also called: CHARCOT-MARIE-TOOTH DISEASE, AXONAL, AUTOSOMAL RECESSIVE, TYPE 2R; CHARCOT-MARIE-TOOTH NEUROPATHY, TYPE 2R; Charcot-Marie-Tooth disease, axonal, type 2R. Identifiers: Orphanet 397968, MedGen C3809655, MONDO:0014208, OMIM 615490.

Submission:

Labcorp Genetics (formerly Invitae), Labcorp
Classification: Uncertain significance for Charcot-Marie-Tooth disease type 2R. Last evaluated: 2023-12-26. Review status: criteria provided, single submitter. Criteria: Invitae Variant Classification Sherloc (09022015). Collection method: clinical testing. Allele origin: germline.
Comment: This sequence change replaces glutamic acid, which is acidic and polar, with aspartic acid, which is acidic and polar, at codon 333 of the TRIM2 protein (p.Glu333Asp). This variant is not present in population databases (gnomAD no frequency). This variant has not been reported in the literature in individuals affected with TRIM2-related conditions. An algorithm developed to predict the effect of missense changes on protein structure and function (PolyPhen-2) suggests that this variant is likely to be tolerated. In summary, the available evidence is currently insufficient to determine the role of this variant in disease. Therefore, it has been classified as a Variant of Uncertain Significance.

NM_015271.5(TRIM2):c.1080G>C (p.Glu360Asp)

Gene: TRIM2 (tripartite motif containing 2; plus strand). Cytogenetic location: 4q31.3.
Variant type: single nucleotide variant.
Coding change: c.1080G>C on transcript NM_015271.5 (MANE Select); coding-DNA position 1080, G replaced by C.
Protein change: p.Glu360Asp; replaces glutamic acid 360 with aspartic acid.
Molecular consequence: missense variant.
Genome position (GRCh38, 1-based): chr4:153,295,606, G>C. VCF-style: chr4-153295606-G-C. GRCh37 (hg19) VCF-style: chr4-154216758-G-C.
Other names: c.1023G>C, p.Glu341Asp (NM_001375490.1); c.1020G>C, p.Glu340Asp (NM_001375491.1); c.999G>C, p.Glu333Asp (NM_001375512.1, NM_001375513.1, NM_001375514.1 and 5 more transcripts); c.747G>C, p.Glu249Asp (NM_001375519.1); c.744G>C, p.Glu248Asp (NM_001375520.1); c.741G>C, p.Glu247Asp (NM_001375522.1, NM_001375523.1, NM_001375525.1); c.1053G>C, p.Glu351Asp (NM_001351054.2); c.1050G>C, p.Glu350Asp (NM_001351055.2); and 3 more; short protein forms E247D, E351D, E390D, E391D, E208D, E249D, E333D, E350D.
Identifiers: ClinVar variation 2705690 (VCV002705690.3), dbSNP rs2546528477, ClinGen allele CA358472924.